The following is an entry in ClinVar:

ClinVar aggregate classification (germline): Uncertain significance (1 of 4 stars; one submission).

Conditions:
Chédiak-Higashi syndrome (CHS). Also called: Chediak-Higashi Syndrome. Identifiers: Orphanet 167, MedGen C0007965, MONDO:0008963, OMIM 214500.

Submission:

Labcorp Genetics (formerly Invitae), Labcorp
Classification: Uncertain significance for Chédiak-Higashi syndrome. Last evaluated: 2021-10-17. Review status: criteria provided, single submitter. Criteria: Invitae Variant Classification Sherloc (09022015). Collection method: clinical testing. Allele origin: germline.
Comment: This sequence change replaces proline with histidine at codon 1129 of the LYST protein (p.Pro1129His). The proline residue is moderately conserved and there is a moderate physicochemical difference between proline and histidine. This variant is not present in population databases (ExAC no frequency). This variant has not been reported in the literature in individuals affected with LYST-related conditions. Algorithms developed to predict the effect of missense changes on protein structure and function are either unavailable or do not agree on the potential impact of this missense change (SIFT: "Tolerated"; PolyPhen-2: "Possibly Damaging"; Align-GVGD: "Class C0"). In summary, the available evidence is currently insufficient to determine the role of this variant in disease. Therefore, it has been classified as a Variant of Uncertain Significance.

NM_000081.4(LYST):c.3386C>A (p.Pro1129His)

Gene: LYST (lysosomal trafficking regulator; minus strand). Cytogenetic location: 1q42.3.
Variant type: single nucleotide variant.
Coding change: c.3386C>A on transcript NM_000081.4 (MANE Select); coding-DNA position 3386, C replaced by A.
Protein change: p.Pro1129His; replaces proline 1129 with histidine.
Molecular consequence: missense variant.
Genome position (GRCh38, 1-based): chr1:235,805,750, G>T on the plus strand (C>A on the coding strand, the complement: LYST is on the minus strand). VCF-style: chr1-235805750-G-T. GRCh37 (hg19) VCF-style: chr1-235969050-G-T.
Other names: c.3386C>A, p.Pro1129His (NM_001301365.1); short protein forms P1129H.
Identifiers: ClinVar variation 1482527 (VCV001482527.3), dbSNP rs1482992096, ClinGen allele CA344950910.